The following is an entry in ClinVar:

ClinVar aggregate classification (germline): Benign/Likely benign. Review status: criteria provided, multiple submitters, no conflicts (2 of 4 stars). 3 submissions from 3 submitters: Benign (1); Likely benign (1). 1 of the submissions does not count toward it. Last evaluated 2025-11-01.

Conditions:
MYO5A-related disorder. Also called: MYO5A-related condition.

Allele frequency attached by ClinVar (database versions not stated): gnomAD exomes 0.00021 and 0.00055; ExAC 0.00071; 1000 Genomes Project 0.00160; 1000 Genomes Project 30x 0.00187; gnomAD 0.00228 and 0.00249; ESP Exome Variant Server 0.00232; TOPMed 0.00268.
gnomAD v4.1: 649 of 1,614,196 alleles (0.04%); highest among the groups gnomAD compares: African/African-American, 0.82%; 3 homozygotes.

Submissions (3):

Labcorp Genetics (formerly Invitae), Labcorp
Classification: Benign. Last evaluated: 2025-11-01. Review status: criteria provided, single submitter. Criteria: Invitae Variant Classification Sherloc (09022015). Collection method: clinical testing. Allele origin: germline.

Blueprint Genetics
Classification: Likely benign. Last evaluated: 2024-10-24. Review status: criteria provided, single submitter. Criteria: ACMG Guidelines, 2015. Collection method: clinical testing. Allele origin: germline.

PreventionGenetics, part of Exact Sciences
Classification: Benign for MYO5A-related condition. Last evaluated: 2019-09-18. Review status: no assertion criteria provided. Collection method: clinical testing. Allele origin: germline. Not counted in ClinVar's aggregate classification.
Comment: This variant is classified as benign based on ACMG/AMP sequence variant interpretation guidelines (Richards et al. 2015 PMID: 25741868, with internal and published modifications).

NM_001382347.1(MYO5A):c.1872A>C (p.Pro624=)

Gene: MYO5A (myosin VA; minus strand). Cytogenetic location: 15q21.2.
Variant type: single nucleotide variant.
Coding change: c.1872A>C on transcript NM_001382347.1 (MANE Select); coding-DNA position 1872, A replaced by C.
Protein change: p.Pro624=; no amino-acid change (proline 624 retained).
Molecular consequence: synonymous variant.
Genome position (GRCh38, 1-based): chr15:52,384,203, T>G on the plus strand (A>C on the coding strand, the complement: MYO5A is on the minus strand). VCF-style: chr15-52384203-T-G. GRCh37 (hg19) VCF-style: chr15-52676400-T-G.
Other names: c.1872A>C, p.Pro624= (NM_000259.3, NM_001142495.2); c.1944A>C, p.Pro648= (NM_001382348.1, NM_001382349.1).
Identifiers: ClinVar variation 727732 (VCV000727732.13), dbSNP rs150624865, ClinGen allele CA7568879.